The following is an entry in ClinVar:

ClinVar aggregate classification (germline): Pathogenic/Likely pathogenic. Review status: criteria provided, multiple submitters, no conflicts (2 of 4 stars). 5 submissions from 5 submitters: Pathogenic (1); Likely pathogenic (4). Last evaluated 2025-07-09.

Conditions:
Hereditary hemorrhagic telangiectasia (HHT). Also called: ORW DISEASE; Osler Weber Rendu syndrome; OSLER-RENDU-WEBER DISEASE; Osler hemorrhagic telangiectasia syndrome. Identifiers: Orphanet 774, MedGen C0039445, MONDO:0019180. Disease mechanism: loss of function.
Telangiectasia, hereditary hemorrhagic, type 1 (HHT1). Also called: Osler Weber Rendu syndrome type 1; ENG-Related Hereditary Hemorrhagic Telangiectasia. Identifiers: Orphanet 774, MedGen C4551861, MONDO:0008535, OMIM 187300. Disease mechanism: loss of function.
ENG-related disorder. Also called: ENG-related disorders; ENG-related condition.
Cardiovascular phenotype. Identifiers: MedGen CN230736.

Submissions (5):

Labcorp Genetics (formerly Invitae), Labcorp
Classification: Pathogenic for Hereditary hemorrhagic telangiectasia. Last evaluated: 2025-07-09. Review status: criteria provided, single submitter. Criteria: Invitae Variant Classification Sherloc (09022015). Collection method: clinical testing. Allele origin: germline.
Comment: This sequence change replaces tryptophan, which is neutral and slightly polar, with arginine, which is basic and polar, at codon 196 of the ENG protein (p.Trp196Arg). This variant is not present in population databases (gnomAD no frequency). This missense change has been observed in individual(s) with hereditary hemorrhagic telangiectasia (PMID: 32300199, 34872578). It has also been observed to segregate with disease in related individuals. ClinVar contains an entry for this variant (Variation ID: 1177295). Invitae Evidence Modeling of protein sequence and biophysical properties (such as structural, functional, and spatial information, amino acid conservation, physicochemical variation, residue mobility, and thermodynamic stability) has been performed for this missense variant. However, the output from this modeling did not meet the statistical confidence thresholds required to predict the impact of this variant on ENG protein function. For these reasons, this variant has been classified as Pathogenic.

Impact Genetics, Dynacare/LabCorp
Classification: Likely pathogenic for Telangiectasia, hereditary hemorrhagic, type 1. Last evaluated: 2024-10-14. Review status: criteria provided, single submitter. Criteria: DeMille et al. (Hum Mutat. 2024). Collection method: clinical testing. Allele origin: germline.
Comment: PS4, PM2_supporting, PS3_supporting

Blueprint Genetics
Classification: Likely pathogenic for ENG-related disorders. Last evaluated: 2023-10-06. Review status: criteria provided, single submitter. Criteria: ACMG Guidelines, 2015. Collection method: clinical testing. Allele origin: germline. Affected: yes. Observed: 1 variant allele.

Ambry Genetics
Classification: Likely pathogenic for Cardiovascular phenotype. Last evaluated: 2023-05-25. Review status: criteria provided, single submitter. Criteria: Ambry Variant Classification Scheme 2023. Collection method: clinical testing. Allele origin: germline.
Comment: The p.W196R variant (also known as c.586T>C), located in coding exon 5 of the ENG gene, results from a T to C substitution at nucleotide position 586. The tryptophan at codon 196 is replaced by arginine, an amino acid with dissimilar properties. This variant was reported in additional individuals and families with HHT; however, clinical information was limited (Bayrak-Toydemir P et al. Genet. Med. 2004;6:175-91; Bayrak-Toydemir P et al. Am. J. Med. Genet. A, 2006 Mar;140:463-70; Prigoda NL et al. J Med Genet, 2006 Sep;43:722-8; Bayrak-Toydemir P et al. Exp Mol Pathol, 2008 Aug;85:45-9). This variant was not reported in population-based cohorts in the Genome Aggregation Database (gnomAD). Based on internal structural assessment, this alteration destabilizes the structure of the orphan region of the ENG protein (Saito T et al. Cell Rep, 2017 05;19:1917-1928). This amino acid position is highly conserved in available vertebrate species. In addition, the in silico prediction for this alteration is inconclusive. Based on the majority of available evidence to date, this variant is likely to be pathogenic.

Seattle Children's Hospital Molecular Genetics Laboratory, Seattle Children's Hospital
Classification: Likely pathogenic for Hereditary hemorrhagic telangiectasia. Last evaluated: 2021-07-06. Review status: criteria provided, single submitter. Criteria: ACMG Guidelines, 2015. Collection method: clinical testing. Allele origin: unknown. Inheritance: Autosomal dominant inheritance. Affected: yes. Observed: 1 variant allele, 1 heterozygote.
Comment: A heterozygous, likely pathogenic variant was identified in exon 5 of the ENG gene (NM_000118.3:c.586T>C, p.Trp196Arg). This variant has previously been reported to segregate in a single family with multiple individuals with HHT. This variant has not been observed in the Genome Aggregation Database (v2.1.1). The substitution of tryptophan with arginine at position 196 is predicted to be damaging to protein function (SIFT, PROVEAN, Mutation assessor, FATHMM-MKL). This variant falls within the orphan region (OR) 2 domain of ENG that binds bone morphogenetic protein 9 (BMP9). Nearby substitutions have been reported as pathogenic, thus taken together, this variant is located in a critical domain (ACMG criteria PM1). Pathogenic variants in ENG cause the autosomal dominant disorder HHT type 1. HHT is characterized by telangiectasias, recurrent spontaneous nosebleeds (epistaxis), and arteriovenous malformations (AVMs).

Literature cited by the submitters: PubMed 32300199 (cited by 3 submitters); PubMed 34872578 (cited by Labcorp Genetics (formerly Invitae), Labcorp and Impact Genetics, Dynacare/LabCorp); PubMed 15266205 (cited by Ambry Genetics and Seattle Children's Hospital Molecular Genetics Laboratory, Seattle Children's Hospital); PubMed 16470787 (cited by Ambry Genetics and Seattle Children's Hospital Molecular Genetics Laboratory, Seattle Children's Hospital); PubMed 16690726 (cited by Ambry Genetics); PubMed 17525106 (cited by Ambry Genetics); PubMed 18495117 (cited by Ambry Genetics); PubMed 28564608 (cited by Ambry Genetics and Seattle Children's Hospital Molecular Genetics Laboratory, Seattle Children's Hospital); PubMed 25312062 (cited by Seattle Children's Hospital Molecular Genetics Laboratory, Seattle Children's Hospital); NCBI Bookshelf 1351 (cited by Seattle Children's Hospital Molecular Genetics Laboratory, Seattle Children's Hospital).

NM_001114753.3(ENG):c.586T>C (p.Trp196Arg)

Gene: ENG (endoglin; minus strand). Cytogenetic location: 9q34.11.
Variant type: single nucleotide variant.
Coding change: c.586T>C on transcript NM_001114753.3 (MANE Select); coding-DNA position 586, T replaced by C.
Protein change: p.Trp196Arg; replaces tryptophan 196 with arginine.
Molecular consequence: missense variant.
Genome position (GRCh38, 1-based): chr9:127,825,798, A>G on the plus strand (T>C on the coding strand, the complement: ENG is on the minus strand). VCF-style: chr9-127825798-A-G. GRCh37 (hg19) VCF-style: chr9-130588077-A-G.
Other names: c.586T>C, p.Trp196Arg (NM_000118.4, NM_001406715.1); c.40T>C, p.Trp14Arg (NM_001278138.2); short protein forms W14R, W196R.
Identifiers: ClinVar variation 1177295 (VCV001177295.12), dbSNP rs2131889336, ClinGen allele CA374983680.
Genomic context (GRCh38, chr9:127,825,798, plus strand): 5'-TGTGGCCGGCCACGCCTTCCAAGTGGCAGCCCCGGACCAAGGCTGGAGTACGCGGCCGCC[A>G]CTCGAGCGTGCGGCCCATGTCCTGGCTGGCTTCCAGCATGCAGAAGGACAGTGACCCCTG-3'
Protein context (NP_001108225.1, residues 186-206): ASQDMGRTLE[Trp196Arg]RPRTPALVRG